The following is an entry in ClinVar:

NM_030662.4(MAP2K2):c.1030G>A (p.Glu344Lys)

Gene: MAP2K2 (mitogen-activated protein kinase kinase 2; minus strand). Cytogenetic location: 19p13.3.
Variant type: single nucleotide variant.
Coding change: c.1030G>A on transcript NM_030662.4 (MANE Select); coding-DNA position 1030, G replaced by A.
Protein change: p.Glu344Lys; replaces glutamic acid 344 with lysine.
Molecular consequence: missense variant.
Genome position (GRCh38, 1-based): chr19:4,095,404, C>T on the plus strand (G>A on the coding strand, the complement: MAP2K2 is on the minus strand). VCF-style: chr19-4095404-C-T. GRCh37 (hg19) VCF-style: chr19-4095402-C-T.
Other names: short protein forms E344K.
Identifiers: ClinVar variation 4051190 (VCV004051190.1).

ClinVar aggregate classification (germline): Uncertain significance (1 of 4 stars; one submission).

Conditions:
Cardiovascular phenotype. Identifiers: MedGen CN230736.

Submission:

Ambry Genetics
Classification: Uncertain significance for Cardiovascular phenotype. Last evaluated: 2025-06-01. Review status: criteria provided, single submitter. Criteria: Ambry Variant Classification Scheme 2023. Collection method: clinical testing. Allele origin: germline.
Comment: The p.E344K variant (also known as c.1030G>A), located in coding exon 9 of the MAP2K2 gene, results from a G to A substitution at nucleotide position 1030. The glutamic acid at codon 344 is replaced by lysine, an amino acid with similar properties. This amino acid position is conserved. In addition, the in silico prediction for this alteration is inconclusive. Based on the available evidence, the clinical significance of this variant remains unclear.